The following is an entry in ClinVar:

ClinVar aggregate classification (germline): Uncertain significance (1 of 4 stars; one submission).

Submission:

CeGaT Center for Human Genetics Tuebingen
Classification: Uncertain significance. Last evaluated: 2026-04-01. Review status: criteria provided, single submitter. Criteria: CeGaT Center For Human Genetics Tuebingen Variant Classification Criteria Version 2. Collection method: clinical testing. Allele origin: germline. Affected: yes. Observed: 1 variant allele.
Comment: GNAS: PM2, BP4

NM_016592.5(GNAS):c.429C>G (p.Asp143Glu)

Genes: GNAS (GNAS complex locus; plus strand), GNAS-AS1 (GNAS antisense RNA 1; minus strand). Cytogenetic location: 20q13.32.
Variant type: single nucleotide variant.
Coding change: c.429C>G on transcript NM_016592.5 (MANE Plus Clinical); coding-DNA position 429, C replaced by G.
Protein change: p.Asp143Glu; replaces aspartic acid 143 with glutamic acid.
Molecular consequence: missense variant. On other transcripts: 5 prime UTR variant (1).
Genome position (GRCh38, 1-based): chr20:58,840,535, C>G. VCF-style: chr20-58840535-C-G. GRCh37 (hg19) VCF-style: chr20-57415590-C-G.
Other names: c.-309C>G (NM_001410912.1); short protein forms D143E.
Identifiers: ClinVar variation 4874471 (VCV004874471.2).